The following is an entry in ClinVar:

NM_007294.4(BRCA1):c.2077delinsATA (p.Asp693fs)

Gene: BRCA1 (BRCA1 DNA repair associated; minus strand). Cytogenetic location: 17q21.31.
Variant type: Indel.
Coding change: c.2077delinsATA on transcript NM_007294.4 (MANE Select); coding-DNA position 2077, G replaced by ATA.
Protein change: p.Asp693fs; shifts the reading frame from aspartic acid 693.
Molecular consequence: frameshift variant. On other transcripts: intron variant (137).
Genome position (GRCh38, 1-based): chr17:43,093,454, C replaced by TAT on the plus strand (G replaced by ATA on the coding strand, the reverse complement: BRCA1 is on the minus strand). VCF-style: chr17-43093454-C-TAT. GRCh37 (hg19) VCF-style: chr17-41245471-C-TAT.
Other names: 2196delGinsATA; c.1936delinsATA, p.Asp646fs (NM_001407725.1, NM_001407726.1, NM_001407727.1 and 29 more transcripts); c.1933delinsATA, p.Asp645fs (NM_001407740.1, NM_001407741.1, NM_001407742.1 and 20 more transcripts); c.1864delinsATA, p.Asp622fs (NM_001407853.1, NM_001407894.1, NM_001407895.1 and 9 more transcripts); c.2077delinsATA, p.Asp693fs (NM_001407854.1, NM_001407858.1, NM_001407859.1 and 30 more transcripts); c.2074delinsATA, p.Asp692fs (NM_001407860.1, NM_001407861.1, NM_001407587.1 and 22 more transcripts); c.1876delinsATA, p.Asp626fs (NM_001407862.1); c.1954delinsATA, p.Asp652fs (NM_001407863.1, NM_001407919.1, NM_001407937.1 and 19 more transcripts); and 41 more; short protein forms D646fs, D693fs, D565fs, D581fs, D625fs, D525fs, D622fs, D626fs.
Identifiers: ClinVar variation 266212 (VCV000266212.11), dbSNP rs886039991, ClinGen allele CA10589899.

ClinVar aggregate classification (germline): Pathogenic. Review status: reviewed by expert panel (3 of 4 stars). 3 submissions from 3 submitters: Pathogenic (1). 2 of the submissions do not count toward it. Last evaluated 2016-10-18.

Conditions:
Hereditary cancer-predisposing syndrome. Also called: Hereditary Cancer Syndrome; Neoplastic Syndromes, Hereditary; Hereditary neoplastic syndrome; Tumor predisposition. Identifiers: Orphanet 140162, MedGen C0027672, MeSH D009386, MONDO:0015356.
Breast-ovarian cancer, familial, susceptibility to, 1 (BROVCA1). Also called: BRCA1 Hereditary Breast and Ovarian Cancer; OVARIAN CANCER, SUSCEPTIBILITY TO. Identifiers: Orphanet 145, MedGen C2676676, MONDO:0011450, OMIM 604370. Disease mechanism: loss of function.

Submissions (3):

Evidence-based Network for the Interpretation of Germline Mutant Alleles (ENIGMA)
Classification: Pathogenic for Breast-ovarian cancer, familial, susceptibility to, 1. Last evaluated: 2016-10-18. Review status: reviewed by expert panel. Criteria: ENIGMA BRCA1/2 Classification Criteria (2015). Collection method: curation. Allele origin: germline.
Comment: Variant allele predicted to encode a truncated non-functional protein.

Ambry Genetics
Classification: Pathogenic for Hereditary cancer-predisposing syndrome. Last evaluated: 2023-01-05. Review status: criteria provided, single submitter. Criteria: Ambry Variant Classification Scheme 2023. Collection method: clinical testing. Allele origin: germline. Not counted in ClinVar's aggregate classification.
Comment: The c.2077delGinsATA pathogenic mutation, located in coding exon 9 of the BRCA1 gene, results from the deletion of one nucleotide and insertion of 3 nucleotides causing a translational frameshift with a predicted alternate stop codon (p.D693Ifs*9). This alteration was identified in a large, worldwide study of BRCA1/2 mutation positive families (Rebbeck TR et al. Hum. Mutat. 2018 05;39:593-620).This alteration is expected to result in loss of function by premature protein truncation or nonsense-mediated mRNA decay. As such, this alteration is interpreted as a disease-causing mutation.

Consortium of Investigators of Modifiers of BRCA1/2 (CIMBA), c/o University of Cambridge
Classification: Pathogenic for Breast-ovarian cancer, familial, susceptibility to, 1. Last evaluated: 2015-10-02. Review status: criteria provided, single submitter. Criteria: CIMBA Mutation Classification guidelines May 2016. Collection method: clinical testing. Allele origin: germline. Not counted in ClinVar's aggregate classification.

Literature cited by the submitters: PubMed 29446198 (cited by Ambry Genetics).